The following is an entry in ClinVar:

ClinVar aggregate classification (germline): Benign/Likely benign. Review status: criteria provided, multiple submitters, no conflicts (2 of 4 stars). 13 submissions from 13 submitters: Benign (11); Likely benign (1). 1 of the submissions does not count toward it. Last evaluated 2026-06-26.

Conditions:
Fanconi anemia (FA). Also called: Fanconi's anemia. Identifiers: Orphanet 84, MedGen C0015625, MeSH D005199, MONDO:0019391.
Fanconi anemia complementation group A (FANCA). Also called: Fanconi anemia, group A; FANCA-Related Fanconi Anemia. Identifiers: Orphanet 84, MedGen C3469521, MONDO:0009215, OMIM 227650.

Allele frequency attached by ClinVar (database versions not stated): gnomAD exomes 0.09764 and 0.10119; ExAC 0.10408; gnomAD 0.12784; TOPMed 0.12833; ESP Exome Variant Server 0.13196; 1000 Genomes Project 30x 0.15537; 1000 Genomes Project 0.15755.
gnomAD v4.1: 162,823 of 1,613,748 alleles (10%); highest among the groups gnomAD compares: African/African-American, 21%; 9,353 homozygotes.

Submissions (13):

Women's Health and Genetics/Laboratory Corporation of America, LabCorp
Classification: Benign. Last evaluated: 2026-06-26. Review status: criteria provided, single submitter. Criteria: LabCorp Variant Classification Summary - May 2015. Collection method: clinical testing. Allele origin: germline.

Labcorp Genetics (formerly Invitae), Labcorp
Classification: Benign for Fanconi anemia. Last evaluated: 2026-02-04. Review status: criteria provided, single submitter. Criteria: Invitae Variant Classification Sherloc (09022015). Collection method: clinical testing. Allele origin: germline.

ARUP Laboratories, Molecular Genetics and Genomics, ARUP Laboratories
Classification: Benign for Fanconi anemia complementation group A. Last evaluated: 2025-07-28. Review status: criteria provided, single submitter. Criteria: ARUP Molecular Germline Variant Investigation Process 2024. Collection method: clinical testing. Allele origin: germline.

GeneKor MSA
Classification: Benign for Fanconi anemia complementation group A. Last evaluated: 2025-07-10. Review status: criteria provided, single submitter. Criteria: ACMG Guidelines, 2015. Collection method: clinical testing. Allele origin: germline.

Blueprint Genetics
Classification: Likely benign. Last evaluated: 2024-11-27. Review status: criteria provided, single submitter. Criteria: ACMG Guidelines, 2015. Collection method: clinical testing. Allele origin: germline.

KCCC/NGS Laboratory, Kuwait Cancer Control Center
Classification: Benign for Fanconi anemia complementation group A. Last evaluated: 2023-07-07. Review status: criteria provided, single submitter. Criteria: ACMG Guidelines, 2015. Collection method: clinical testing. Allele origin: germline. Affected: yes.

Mayo Clinic Laboratories, Mayo Clinic
Classification: Benign. Last evaluated: 2022-09-06. Review status: criteria provided, single submitter. Criteria: ACMG Guidelines, 2015. Collection method: clinical testing. Allele origin: germline. Observed: 309 variant alleles.

Genome-Nilou Lab
Classification: Benign for Fanconi anemia complementation group A. Last evaluated: 2021-07-08. Review status: criteria provided, single submitter. Criteria: ACMG Guidelines, 2015. Collection method: clinical testing. Allele origin: germline. Affected: no.

GeneDx
Classification: Benign. Last evaluated: 2019-02-06. Review status: criteria provided, single submitter. Criteria: GeneDx Variant Classification Process June 2021. Collection method: clinical testing. Allele origin: germline. Affected: yes.

Illumina Laboratory Services, Illumina
Classification: Benign for Fanconi anemia complementation group A. Last evaluated: 2018-01-13. Review status: criteria provided, single submitter. Criteria: ICSL Variant Classification Criteria 13 December 2019. Collection method: clinical testing. Allele origin: germline.
Comment: This variant was observed in the ICSL laboratory as part of a predisposition screen in an ostensibly healthy population. It had not been previously curated by ICSL or reported in the Human Gene Mutation Database (HGMD: prior to June 1st, 2018), and was therefore a candidate for classification through an automated scoring system. Utilizing variant allele frequency, disease prevalence and penetrance estimates, and inheritance mode, an automated score was calculated to assess if this variant is too frequent to cause the disease. Based on the score and internal cut-off values, a variant classified as benign is not then subjected to further curation. The score for this variant resulted in a classification of benign for this disease.

Breakthrough Genomics
Classification: Benign. Review status: criteria provided, single submitter. Criteria: ACMG Guidelines, 2015. Collection method: not provided. Allele origin: germline. Inheritance: Autosomal recessive inheritance. Affected: yes.

PreventionGenetics, part of Exact Sciences
Classification: Benign. Review status: criteria provided, single submitter. Criteria: ACMG Guidelines, 2015. Collection method: clinical testing. Allele origin: germline.

Natera, Inc.
Classification: Benign for Fanconi anemia, group A. Last evaluated: 2020-09-16. Review status: no assertion criteria provided. Collection method: clinical testing. Allele origin: germline. Not counted in ClinVar's aggregate classification.

NM_000135.4(FANCA):c.3654A>G (p.Pro1218=)

Gene: FANCA (FA complementation group A; minus strand). Cytogenetic location: 16q24.3.
Variant type: single nucleotide variant.
Coding change: c.3654A>G on transcript NM_000135.4 (MANE Select); coding-DNA position 3654, A replaced by G.
Protein change: p.Pro1218=; no amino-acid change (proline 1218 retained).
Molecular consequence: synonymous variant.
Genome position (GRCh38, 1-based): chr16:89,742,911, T>C on the plus strand (A>G on the coding strand, the complement: FANCA is on the minus strand). VCF-style: chr16-89742911-T-C. GRCh37 (hg19) VCF-style: chr16-89809319-T-C.
Other names: p.Pro1218=; c.3654A>G (LRG_495t1, NM_000135.3); c.3654A>G, p.Pro1218= (NM_001286167.3).
Identifiers: ClinVar variation 255261 (VCV000255261.38), dbSNP rs1800358, ClinGen allele CA8251033.